The following is an entry in ClinVar:

NM_173598.6(KSR2):c.2401A>C (p.Ile801Leu)

Gene: KSR2 (kinase suppressor of ras 2; minus strand). Cytogenetic location: 12q24.22.
Variant type: single nucleotide variant.
Coding change: c.2401A>C on transcript NM_173598.6 (MANE Select); coding-DNA position 2401, A replaced by C.
Protein change: p.Ile801Leu; replaces isoleucine 801 with leucine.
Molecular consequence: missense variant.
Genome position (GRCh38, 1-based): chr12:117,484,465, T>G on the plus strand (A>C on the coding strand, the complement: KSR2 is on the minus strand). VCF-style: chr12-117484465-T-G. GRCh37 (hg19) VCF-style: chr12-117922270-T-G.
Other names: short protein forms I801L.
Identifiers: ClinVar variation 4990479 (VCV004990479.1).

ClinVar aggregate classification (germline): Uncertain significance (1 of 4 stars; one submission).

Conditions:
KSR2-related disorder. Also called: KSR2-related condition.

gnomAD v4.1: 37 of 1,613,914 alleles (0.0023%); highest among the groups gnomAD compares: Non-Finnish European, 0.0029%; 1 homozygote.

Submission:

PreventionGenetics, part of Exact Sciences
Classification: Uncertain significance for KSR2-related condition. Last evaluated: 2026-07-24. Review status: criteria provided, single submitter. Criteria: ACMG Guidelines, 2015. Collection method: clinical testing. Allele origin: germline.
Comment: The KSR2 c.2314A>C variant is predicted to result in the amino acid substitution p.Ile772Leu. To our knowledge, this variant has not been reported in the literature. This variant is reported in 0.0047% of alleles in individuals of European (Non-Finnish) descent in gnomAD. At this time, the clinical significance of this variant is uncertain due to the absence of conclusive functional and genetic evidence.